The following is an entry in ClinVar:

NM_024334.3(TMEM43):c.410G>A (p.Gly137Glu)

Gene: TMEM43 (transmembrane protein 43; plus strand). Cytogenetic location: 3p25.1.
Variant type: single nucleotide variant.
Coding change: c.410G>A on transcript NM_024334.3 (MANE Select); coding-DNA position 410, G replaced by A.
Protein change: p.Gly137Glu; replaces glycine 137 with glutamic acid.
Molecular consequence: missense variant.
Genome position (GRCh38, 1-based): chr3:14,132,563, G>A. VCF-style: chr3-14132563-G-A. GRCh37 (hg19) VCF-style: chr3-14174063-G-A.
Other names: short protein forms G137E.
Identifiers: ClinVar variation 519465 (VCV000519465.7), dbSNP rs760628106, ClinGen allele CA351535012.

ClinVar aggregate classification (germline): Uncertain significance. Review status: criteria provided, multiple submitters, no conflicts (2 of 4 stars). 2 submissions from 2 submitters: Uncertain significance (2). Last evaluated 2025-01-12.

Conditions:
Cardiovascular phenotype. Identifiers: MedGen CN230736.
Arrhythmogenic right ventricular dysplasia 5. Also called: Arrhythmogenic Right Ventricular Dysplasia/Cardiomyopathy 5; ARRHYTHMOGENIC RIGHT VENTRICULAR DYSPLASIA, FAMILIAL, 5. Identifiers: MedGen C1858379, MONDO:0011459, OMIM 604400.

Allele frequency attached by ClinVar (database versions not stated): TOPMed below 0.00001.
gnomAD v4.1: 1 of 1,614,170 alleles (0.000062%); highest among the groups gnomAD compares: Non-Finnish European, 0.000085%; no homozygotes.

Submissions (2):

Labcorp Genetics (formerly Invitae), Labcorp
Classification: Uncertain significance for Arrhythmogenic right ventricular dysplasia 5. Last evaluated: 2025-01-12. Review status: criteria provided, single submitter. Criteria: Invitae Variant Classification Sherloc (09022015). Collection method: clinical testing. Allele origin: germline.
Comment: This sequence change replaces glycine, which is neutral and non-polar, with glutamic acid, which is acidic and polar, at codon 137 of the TMEM43 protein (p.Gly137Glu). This variant is not present in population databases (gnomAD no frequency). This variant has not been reported in the literature in individuals affected with TMEM43-related conditions. ClinVar contains an entry for this variant (Variation ID: 519465). Invitae Evidence Modeling of protein sequence and biophysical properties (such as structural, functional, and spatial information, amino acid conservation, physicochemical variation, residue mobility, and thermodynamic stability) indicates that this missense variant is not expected to disrupt TMEM43 protein function with a negative predictive value of 80%. In summary, the available evidence is currently insufficient to determine the role of this variant in disease. Therefore, it has been classified as a Variant of Uncertain Significance.

Ambry Genetics
Classification: Uncertain significance for Cardiovascular phenotype. Last evaluated: 2017-06-07. Review status: criteria provided, single submitter. Criteria: Ambry Variant Classification Scheme 2023. Collection method: clinical testing. Allele origin: germline.
Comment: The p.G137E variant (also known as c.410G>A), located in coding exon 5 of the TMEM43 gene, results from a G to A substitution at nucleotide position 410. The glycine at codon 137 is replaced by glutamic acid, an amino acid with similar properties. This amino acid position is well conserved in available vertebrate species; however, glutamine is the reference amino acid in other vertebrate species. In addition, this alteration is predicted to be tolerated by in silico analysis. Since supporting evidence is limited at this time, the clinical significance of this alteration remains unclear.